The following is an entry in ClinVar:

NM_001256715.2(DNAAF3):c.62del (p.Pro21fs)

Genes: DNAAF3 (dynein axonemal assembly factor 3; minus strand), DNAAF3-AS1 (DNAAF3 antisense RNA 1; plus strand). Cytogenetic location: 19q13.42.
Variant type: Deletion.
Coding change: c.62del on transcript NM_001256715.2 (MANE Select); coding-DNA position 62, one base deleted (C; older notation c.62delC).
Protein change: p.Pro21fs; shifts the reading frame from proline 21.
Molecular consequence: frameshift variant. On other transcripts: 5 prime UTR variant (1).
Genome position (GRCh38, 1-based): chr19:55,166,352, G deleted on the plus strand (C on the coding strand, the reverse complement: DNAAF3 is on the minus strand); the first of 4 consecutive G bases (chr19:55,166,352-55,166,355); deleting any one gives the same sequence. VCF-style (leftmost placement, unchanged base first): chr19-55166351-CG-C. GRCh37 (hg19) VCF-style: chr19-55677719-CG-C.
Other names: c.203del, p.Pro68fs (NM_001256714.1, NM_178837.4); c.-177del (NM_001256716.2); short protein forms P21fs, P68fs.
Identifiers: ClinVar variation 4718512 (VCV004718512.1).

ClinVar aggregate classification (germline): Pathogenic (1 of 4 stars; one submission).

Conditions:
Primary ciliary dyskinesia. Also called: Ciliary dyskinesia. Identifiers: Orphanet 244, MedGen C0008780, MONDO:0016575, HP:0012265.

Submission:

Labcorp Genetics (formerly Invitae), Labcorp
Classification: Pathogenic for Primary ciliary dyskinesia. Last evaluated: 2025-12-03. Review status: criteria provided, single submitter. Criteria: Invitae Variant Classification Sherloc (09022015). Collection method: clinical testing. Allele origin: germline.
Comment: This sequence change creates a premature translational stop signal (p.Pro68Argfs*48) in the DNAAF3 gene. It is expected to result in an absent or disrupted protein product. Loss-of-function variants in DNAAF3 are known to be pathogenic (PMID: 22387996). This variant is not present in population databases (gnomAD no frequency). This variant has not been reported in the literature in individuals affected with DNAAF3-related conditions. For these reasons, this variant has been classified as Pathogenic.

Literature cited by the submitters: PubMed 22387996.